The following is an entry in ClinVar:

NM_001999.4(FBN2):c.853G>C (p.Gly285Arg)

Gene: FBN2 (fibrillin 2; minus strand). Cytogenetic location: 5q23.3.
Variant type: single nucleotide variant.
Coding change: c.853G>C on transcript NM_001999.4 (MANE Select); coding-DNA position 853, G replaced by C.
Protein change: p.Gly285Arg; replaces glycine 285 with arginine.
Molecular consequence: missense variant.
Genome position (GRCh38, 1-based): chr5:128,446,580, C>G on the plus strand (G>C on the coding strand, the complement: FBN2 is on the minus strand). VCF-style: chr5-128446580-C-G. GRCh37 (hg19) VCF-style: chr5-127782273-C-G.
Other names: short protein forms G285R.
Identifiers: ClinVar variation 1517823 (VCV001517823.8), dbSNP rs2127056896, ClinGen allele CA360752103.

ClinVar aggregate classification (germline): Uncertain significance (1 of 4 stars; one submission).

Conditions:
Congenital contractural arachnodactyly (CCA). Also called: Beals-Hecht syndrome; BEALS SYNDROME; Arthrogryposis, distal, type 9. Identifiers: Orphanet 115, MedGen C0220668, MONDO:0007363, OMIM 121050.

Submission:

Labcorp Genetics (formerly Invitae), Labcorp
Classification: Uncertain significance for Congenital contractural arachnodactyly. Last evaluated: 2022-09-07. Review status: criteria provided, single submitter. Criteria: Invitae Variant Classification Sherloc (09022015). Collection method: clinical testing. Allele origin: germline.
Comment: This sequence change replaces glycine, which is neutral and non-polar, with arginine, which is basic and polar, at codon 285 of the FBN2 protein (p.Gly285Arg). This variant is not present in population databases (gnomAD no frequency). This variant has not been reported in the literature in individuals affected with FBN2-related conditions. ClinVar contains an entry for this variant (Variation ID: 1517823). Advanced modeling of protein sequence and biophysical properties (such as structural, functional, and spatial information, amino acid conservation, physicochemical variation, residue mobility, and thermodynamic stability) performed at Invitae indicates that this missense variant is expected to disrupt FBN2 protein function. In summary, the available evidence is currently insufficient to determine the role of this variant in disease. Therefore, it has been classified as a Variant of Uncertain Significance.